The following is an entry in ClinVar:

NM_001080.3(ALDH5A1):c.166G>C (p.Ala56Pro)

Genes: ALDH5A1 (aldehyde dehydrogenase 5 family member A1; plus strand), GPLD1 (glycosylphosphatidylinositol specific phospholipase D1; minus strand), LOC129995978 (ATAC-STARR-seq lymphoblastoid silent region 16989; plus strand). Cytogenetic location: 6p22.3.
Variant type: single nucleotide variant.
Coding change: c.166G>C on transcript NM_001080.3 (MANE Select); coding-DNA position 166, G replaced by C.
Protein change: p.Ala56Pro; replaces alanine 56 with proline.
Molecular consequence: missense variant.
Genome position (GRCh38, 1-based): chr6:24,495,162, G>C. VCF-style: chr6-24495162-G-C. GRCh37 (hg19) VCF-style: chr6-24495390-G-C.
Other names: c.166G>C, p.Ala56Pro (NM_001368954.1, NM_170740.1); short protein forms A56P.
Identifiers: ClinVar variation 1429003 (VCV001429003.8), dbSNP rs2127378973, ClinGen allele CA362968357.

ClinVar aggregate classification (germline): Uncertain significance (1 of 4 stars; one submission).

Conditions:
Succinate-semialdehyde dehydrogenase deficiency (SSADHD). Also called: GABA METABOLIC DEFECT; 4-HYDROXYBUTYRIC ACIDURIA; Succinic Semialdehyde Dehydrogenase Deficiency; SSADH DEFICIENCY. Identifiers: Orphanet 22, MedGen C0268631, MONDO:0010083, OMIM 271980.

Submission:

Labcorp Genetics (formerly Invitae), Labcorp
Classification: Uncertain significance for Succinate-semialdehyde dehydrogenase deficiency. Last evaluated: 2021-05-20. Review status: criteria provided, single submitter. Criteria: Invitae Variant Classification Sherloc (09022015). Collection method: clinical testing. Allele origin: germline.
Comment: This sequence change replaces alanine with proline at codon 56 of the ALDH5A1 protein (p.Ala56Pro). The alanine residue is weakly conserved and there is a small physicochemical difference between alanine and proline. In summary, the available evidence is currently insufficient to determine the role of this variant in disease. Therefore, it has been classified as a Variant of Uncertain Significance. Advanced modeling of protein sequence and biophysical properties (such as structural, functional, and spatial information, amino acid conservation, physicochemical variation, residue mobility, and thermodynamic stability) performed at Invitae indicates that this missense variant is not expected to disrupt ALDH5A1 protein function. This variant has not been reported in the literature in individuals with ALDH5A1-related conditions. The frequency data for this variant in the population databases is considered unreliable, as metrics indicate insufficient coverage at this position in the ExAC database.